The following is an entry in ClinVar:

NM_001145809.2(MYH14):c.3194G>A (p.Arg1065His)

Gene: MYH14 (myosin heavy chain 14; plus strand). Cytogenetic location: 19q13.33.
Variant type: single nucleotide variant.
Coding change: c.3194G>A on transcript NM_001145809.2 (MANE Select); coding-DNA position 3194, G replaced by A.
Protein change: p.Arg1065His; replaces arginine 1065 with histidine.
Molecular consequence: missense variant.
Genome position (GRCh38, 1-based): chr19:50,271,871, G>A. VCF-style: chr19-50271871-G-A. GRCh37 (hg19) VCF-style: chr19-50775128-G-A.
Other names: c.3095G>A, p.Arg1032His (NM_001077186.2); c.3071G>A, p.Arg1024His (NM_024729.4); short protein forms R1024H, R1032H, R1065H.
Identifiers: ClinVar variation 1310918 (VCV001310918.26), dbSNP rs769362736, ClinGen allele CA9593150.
Genomic context (GRCh38, chr19:50,271,871, plus strand): 5'-CTCCTCCTGACTGCCCCCCATCCCACTCCACCCCTCAGGAGCGGAAGCTGCTGGAAGATC[G>A]TCTGGCCGAGTTCTCATCCCAGGCAGCTGAGGAGGAGGAGAAGGTCAAGAGCCTCAATAA-3'
Protein context (NP_001139281.1, residues 1055-1075): LSKERKLLED[Arg1065His]LAEFSSQAAE

ClinVar aggregate classification (germline): Conflicting classifications of pathogenicity. Review status: criteria provided, conflicting classifications (1 of 4 stars). 2 submissions from 2 submitters: Uncertain significance (1); Likely benign (1). Last evaluated 2023-09-01.

Allele frequency attached by ClinVar (database versions not stated): gnomAD 0.00001; TOPMed 0.00001; ExAC 0.00004; gnomAD exomes 0.00004.
gnomAD v4.1: 25 of 1,613,330 alleles (0.0015%); highest among the groups gnomAD compares: East Asian, 0.02%; no homozygotes.

Submissions (2):

CeGaT Center for Human Genetics Tuebingen
Classification: Likely benign. Last evaluated: 2023-09-01. Review status: criteria provided, single submitter. Criteria: CeGaT Center For Human Genetics Tuebingen Variant Classification Criteria Version 2. Collection method: clinical testing. Allele origin: germline. Affected: yes. Observed: 1 variant allele.
Comment: MYH14: BP4

GeneDx
Classification: Uncertain significance. Last evaluated: 2019-09-10. Review status: criteria provided, single submitter. Criteria: GeneDx Variant Classification Process June 2021. Collection method: clinical testing. Allele origin: germline. Affected: yes.
Comment: In silico analysis, which includes protein predictors and evolutionary conservation, supports a deleterious effect; Has not been previously published as pathogenic or benign to our knowledge